The following is an entry in ClinVar:

NC_000001.10:g.(?_12058807)_(12059172_?)del

Gene: MFN2 (mitofusin 2; plus strand). Cytogenetic location: 1p36.22.
Variant type: Deletion.
Identifiers: ClinVar variation 2425998 (VCV002425998.3).

ClinVar aggregate classification (germline): Pathogenic (1 of 4 stars; one submission).

Conditions:
Charcot-Marie-Tooth disease type 2. Also called: Charcot-Marie-Tooth type 2. Identifiers: Orphanet 64746, MedGen C0270914, MONDO:0018993.

Submission:

Labcorp Genetics (formerly Invitae), Labcorp
Classification: Pathogenic for Charcot-Marie-Tooth disease type 2. Last evaluated: 2022-10-04. Review status: criteria provided, single submitter. Criteria: Invitae Variant Classification Sherloc (09022015). Collection method: clinical testing. Allele origin: germline.
Comment: This variant is a gross deletion of the genomic region encompassing exon(s) 7-8 of the MFN2 gene. This deletion is out-of-frame, and is expected to create a premature termination codon and result in an absent or disrupted protein product. Loss-of-function variants in MFN2 are known to be pathogenic (PMID: 16714318, 21715711, 26955893). A similar copy number variant has been observed in individual(s) with autosomal recessive early-onset axonal neuropathy (PMID: 21715711, 26114802). For these reasons, this variant has been classified as Pathogenic.

Literature cited by the submitters: PubMed 16714318; PubMed 21715711; PubMed 26955893; PubMed 26114802.